The following is an entry in ClinVar:

ClinVar aggregate classification (germline): Uncertain significance (1 of 4 stars; one submission).

Submission:

Women's Health and Genetics/Laboratory Corporation of America, LabCorp
Classification: Uncertain significance. Last evaluated: 2017-01-23. Review status: criteria provided, single submitter. Criteria: LabCorp Variant Classification Summary - May 2015. Collection method: clinical testing. Allele origin: germline.
Comment: Variant summary: The PKHD1 c.778G>A (p.Glu260Lys) variant involves the alteration of a conserved nucleotide located at the end of exon 11. Exon 11 is involved in encoding immunoglobulin-like fold of the protein (via InterPro). 3/4 in silico tools predict a damaging outcome for this variant. In addition, 5/5 splice prediction tools predict a significant impact (i.e. abrogation or attenuation of utilization of consensus splice donor site) on normal splicing. Due to location of this variant, it may affect protein function by altering normal splicing. These predictions have yet to be confirmed by functional studies. This variant is absent in 121396 control chromosomes from ExAC. The variant of interest has not, to our knowledge, been reported in affected individuals via publications and/or reputable databases/clinical diagnostic laboratories. Therefore, due to the absence of clinical and functional data, this variant is currently classified as a VUS until additional data becomes available.

NM_138694.4(PKHD1):c.778G>A (p.Glu260Lys)

Gene: PKHD1 (PKHD1 ciliary IPT domain containing fibrocystin/polyductin; minus strand). Cytogenetic location: 6p12.2.
Variant type: single nucleotide variant.
Coding change: c.778G>A on transcript NM_138694.4 (MANE Select); coding-DNA position 778, G replaced by A.
Protein change: p.Glu260Lys; replaces glutamic acid 260 with lysine.
Molecular consequence: missense variant.
Genome position (GRCh38, 1-based): chr6:52,069,457, C>T on the plus strand (G>A on the coding strand, the complement: PKHD1 is on the minus strand). VCF-style: chr6-52069457-C-T. GRCh37 (hg19) VCF-style: chr6-51934255-C-T.
Other names: c.778G>A, p.Glu260Lys (NM_170724.3); short protein forms E260K.
Identifiers: ClinVar variation 496524 (VCV000496524.1), dbSNP rs1554222386, ClinGen allele CA364431703.